The following is an entry in ClinVar:

NM_006445.4(PRPF8):c.6511-3T>C

Gene: PRPF8 (pre-mRNA processing factor 8; minus strand). Cytogenetic location: 17p13.3.
Variant type: single nucleotide variant.
Coding change: c.6511-3T>C on transcript NM_006445.4 (MANE Select); 3 bases into the intron before coding-DNA position 6511, T replaced by C.
Molecular consequence: intron variant.
Genome position (GRCh38, 1-based): chr17:1,651,556, A>G on the plus strand (T>C on the coding strand, the complement: PRPF8 is on the minus strand). VCF-style: chr17-1651556-A-G. GRCh37 (hg19) VCF-style: chr17-1554850-A-G.
Identifiers: ClinVar variation 889695 (VCV000889695.12), dbSNP rs199665387, ClinGen allele CA8271153.

ClinVar aggregate classification (germline): Conflicting classifications of pathogenicity. Review status: criteria provided, conflicting classifications (1 of 4 stars). 4 submissions from 4 submitters: Uncertain significance (2); Likely benign (2). Last evaluated 2025-10-16.

Conditions:
Retinitis pigmentosa (RP). Identifiers: Orphanet 791, MedGen C0035334, MeSH D012174, MONDO:0019200, OMIM 268000. Inheritance: Autosomal dominant, autosomal recessive and X linked inheritance.

Allele frequency attached by ClinVar (database versions not stated): gnomAD 0.00006 and 0.00007; ESP Exome Variant Server 0.00008; gnomAD exomes 0.00009 and 0.00010; ExAC 0.00011; TOPMed 0.00015.
gnomAD v4.1: 134 of 1,614,070 alleles (0.0083%); highest among the groups gnomAD compares: Middle Eastern, 0.033%; 1 homozygote.

Submissions (4):

Labcorp Genetics (formerly Invitae), Labcorp
Classification: Uncertain significance. Last evaluated: 2025-10-16. Review status: criteria provided, single submitter. Criteria: Invitae Variant Classification Sherloc (09022015). Collection method: clinical testing. Allele origin: germline.
Comment: This sequence change falls in intron 40 of the PRPF8 gene. It does not directly change the encoded amino acid sequence of the PRPF8 protein. It affects a nucleotide within the consensus splice site. This variant is present in population databases (rs199665387, gnomAD 0.02%). This variant has not been reported in the literature in individuals affected with PRPF8-related conditions. ClinVar contains an entry for this variant (Variation ID: 889695). Variants that disrupt the consensus splice site are a relatively common cause of aberrant splicing (PMID: 17576681, 9536098). Algorithms developed to predict the effect of sequence changes on RNA splicing suggest that this variant is not likely to affect RNA splicing. In summary, the available evidence is currently insufficient to determine the role of this variant in disease. Therefore, it has been classified as a Variant of Uncertain Significance.

Laboratory of Genetics, Children's Clinical University Hospital Latvia
Classification: Likely benign. Last evaluated: 2025-02-16. Review status: criteria provided, single submitter. Criteria: ACMG Guidelines, 2015. Collection method: clinical testing. Allele origin: germline. Affected: yes.

Blueprint Genetics
Classification: Likely benign. Last evaluated: 2024-11-18. Review status: criteria provided, single submitter. Criteria: ACMG Guidelines, 2015. Collection method: clinical testing. Allele origin: germline.

Illumina Laboratory Services, Illumina
Classification: Uncertain significance for Retinitis pigmentosa. Last evaluated: 2018-03-02. Review status: criteria provided, single submitter. Criteria: ICSL Variant Classification Criteria 13 December 2019. Collection method: clinical testing. Allele origin: germline.

Literature cited by the submitters: PubMed 17576681 (cited by Labcorp Genetics (formerly Invitae), Labcorp); PubMed 9536098 (cited by Labcorp Genetics (formerly Invitae), Labcorp).